The following is an entry in ClinVar:

ClinVar aggregate classification (germline): Uncertain significance. Review status: criteria provided, multiple submitters, no conflicts (2 of 4 stars). 2 submissions from 2 submitters: Uncertain significance (2). Last evaluated 2023-08-17.

Conditions:
Immunodeficiency. Identifiers: MedGen C0021051, MONDO:0021094, HP:0002721.

Allele frequency attached by ClinVar (database versions not stated): TOPMed 0.00002; gnomAD 0.00005.
gnomAD v4.1: 9 of 1,614,052 alleles (0.00056%); highest among the groups gnomAD compares: African/African-American, 0.008%; no homozygotes.

Submissions (2):

Labcorp Genetics (formerly Invitae), Labcorp
Classification: Uncertain significance for Immunodeficiency. Last evaluated: 2023-08-17. Review status: criteria provided, single submitter. Criteria: Invitae Variant Classification Sherloc (09022015). Collection method: clinical testing. Allele origin: germline.
Comment: In summary, the available evidence is currently insufficient to determine the role of this variant in disease. Therefore, it has been classified as a Variant of Uncertain Significance. This sequence change replaces isoleucine, which is neutral and non-polar, with valine, which is neutral and non-polar, at codon 602 of the NFAT5 protein (p.Ile602Val). This variant is present in population databases (no rsID available, gnomAD 0.02%). This variant has not been reported in the literature in individuals affected with NFAT5-related conditions. ClinVar contains an entry for this variant (Variation ID: 2564717). An algorithm developed to predict the effect of missense changes on protein structure and function (PolyPhen-2) suggests that this variant is likely to be tolerated.

Ambry Genetics
Classification: Uncertain significance. Last evaluated: 2023-04-13. Review status: criteria provided, single submitter. Criteria: Ambry Variant Classification Scheme 2023. Collection method: clinical testing. Allele origin: germline.

NM_138713.4(NFAT5):c.2086A>G (p.Ile696Val)

Gene: NFAT5 (nuclear factor of activated T cells 5; plus strand). Cytogenetic location: 16q22.1.
Variant type: single nucleotide variant.
Coding change: c.2086A>G on transcript NM_138713.4 (MANE Select); coding-DNA position 2086, A replaced by G.
Protein change: p.Ile696Val; replaces isoleucine 696 with valine.
Molecular consequence: missense variant.
Genome position (GRCh38, 1-based): chr16:69,691,911, A>G. VCF-style: chr16-69691911-A-G. GRCh37 (hg19) VCF-style: chr16-69725814-A-G.
Other names: c.2083A>G, p.Ile695Val (NM_001113178.3); c.1411A>G, p.Ile471Val (NM_001367709.1); c.2032A>G, p.Ile678Val (NM_006599.4); c.1804A>G, p.Ile602Val (NM_138714.4, NM_173214.3, NM_173215.3); short protein forms I471V, I678V, I695V, I602V, I696V.
Identifiers: ClinVar variation 2564717 (VCV002564717.5), dbSNP rs1360098649, ClinGen allele CA396507196.
Genomic context (GRCh38, chr16:69,691,911, plus strand): 5'-GAAAATGAAAAACAGCAGCAGATTCAGCCCAAGGCATACAACCCAGAGACCCTGACAACT[A>G]TTCAAACCCAGGACATCTCACAGCCTGGTACTTTTCCAGCAGTTTCTGCTTCTAGTCAGC-3'
Protein context (NP_619727.2, residues 686-706): KAYNPETLTT[Ile696Val]QTQDISQPGT